The following is an entry in ClinVar:

ClinVar aggregate classification (germline): Uncertain significance (1 of 4 stars; one submission).

Conditions:
Gingival disorder. Also called: Gingival disease. Identifiers: MedGen C0017563, MONDO:0002021.

Allele frequency attached by ClinVar (database versions not stated): gnomAD exomes 0.00001; TOPMed 0.00001; ExAC 0.00002.
gnomAD v4.1: 11 of 1,614,176 alleles (0.00068%); highest among the groups gnomAD compares: Non-Finnish European, 0.00093%; no homozygotes.

Submission:

Labcorp Genetics (formerly Invitae), Labcorp
Classification: Uncertain significance for Gingival disorder. Last evaluated: 2024-11-28. Review status: criteria provided, single submitter. Criteria: Invitae Variant Classification Sherloc (09022015). Collection method: clinical testing. Allele origin: germline.
Comment: This sequence change replaces phenylalanine, which is neutral and non-polar, with leucine, which is neutral and non-polar, at codon 251 of the FPR1 protein (p.Phe251Leu). This variant is present in population databases (rs766818943, gnomAD 0.003%). This variant has not been reported in the literature in individuals affected with FPR1-related conditions. ClinVar contains an entry for this variant (Variation ID: 956161). An algorithm developed to predict the effect of missense changes on protein structure and function outputs the following: PolyPhen-2: "Possibly Damaging". The leucine amino acid residue is found in multiple mammalian species, which suggests that this missense change does not adversely affect protein function. In summary, the available evidence is currently insufficient to determine the role of this variant in disease. Therefore, it has been classified as a Variant of Uncertain Significance.

NM_002029.4(FPR1):c.751T>C (p.Phe251Leu)

Gene: FPR1 (formyl peptide receptor 1; minus strand). Cytogenetic location: 19q13.41.
Variant type: single nucleotide variant.
Coding change: c.751T>C on transcript NM_002029.4 (MANE Select); coding-DNA position 751, T replaced by C.
Protein change: p.Phe251Leu; replaces phenylalanine 251 with leucine.
Molecular consequence: missense variant.
Genome position (GRCh38, 1-based): chr19:51,746,244, A>G on the plus strand (T>C on the coding strand, the complement: FPR1 is on the minus strand). VCF-style: chr19-51746244-A-G. GRCh37 (hg19) VCF-style: chr19-52249497-A-G.
Other names: c.751T>C, p.Phe251Leu (NM_001193306.2); short protein forms F251L.
Identifiers: ClinVar variation 956161 (VCV000956161.11), dbSNP rs766818943, ClinGen allele CA9616389.